The following is an entry in ClinVar:

ClinVar aggregate classification (germline): Uncertain significance (1 of 4 stars; one submission).

Submission:

Ambry Genetics
Classification: Uncertain significance. Last evaluated: 2024-11-22. Review status: criteria provided, single submitter. Criteria: Ambry Variant Classification Scheme 2023. Collection method: clinical testing. Allele origin: germline.
Comment: The p.K876N variant (also known as c.2628A>T), located in coding exon 1 of the MLH3 gene, results from an A to T substitution at nucleotide position 2628. The lysine at codon 876 is replaced by asparagine, an amino acid with similar properties. This amino acid position is conserved. In addition, the in silico prediction for this alteration is inconclusive. Based on the available evidence, the clinical significance of this variant remains unclear.

NM_001040108.2(MLH3):c.2628A>T (p.Lys876Asn)

Gene: MLH3 (mutL homolog 3; minus strand). Cytogenetic location: 14q24.3.
Variant type: single nucleotide variant.
Coding change: c.2628A>T on transcript NM_001040108.2 (MANE Select); coding-DNA position 2628, A replaced by T.
Protein change: p.Lys876Asn; replaces lysine 876 with asparagine.
Molecular consequence: missense variant.
Genome position (GRCh38, 1-based): chr14:75,047,028, T>A on the plus strand (A>T on the coding strand, the complement: MLH3 is on the minus strand). VCF-style: chr14-75047028-T-A. GRCh37 (hg19) VCF-style: chr14-75513731-T-A.
Other names: c.2628A>T, p.Lys876Asn (NM_014381.3); short protein forms K876N.
Identifiers: ClinVar variation 3396774 (VCV003396774.1).